The following is an entry in ClinVar:

NM_001372044.2(SHANK3):c.1834C>T (p.Pro612Ser)

Gene: SHANK3 (SH3 and multiple ankyrin repeat domains 3; plus strand). Cytogenetic location: 22q13.33.
Variant type: single nucleotide variant.
Coding change: c.1834C>T on transcript NM_001372044.2 (MANE Select); coding-DNA position 1834, C replaced by T.
Protein change: p.Pro612Ser; replaces proline 612 with serine.
Molecular consequence: missense variant.
Genome position (GRCh38, 1-based): chr22:50,698,800, C>T. VCF-style: chr22-50698800-C-T. GRCh37 (hg19) VCF-style: chr22-51137228-C-T.
Other names: c.1609C>T (NM_033517.1); short protein forms P612S.
Identifiers: ClinVar variation 3573682 (VCV003573682.1).

ClinVar aggregate classification (germline): Uncertain significance (1 of 4 stars; one submission).

Submission:

GeneDx
Classification: Uncertain significance. Last evaluated: 2024-07-11. Review status: criteria provided, single submitter. Criteria: GeneDx Variant Classification Process June 2021. Collection method: clinical testing. Allele origin: germline. Affected: yes.
Comment: Not observed at significant frequency in large population cohorts (gnomAD); In silico analysis does not support a benign or deleterious effect of this variant on protein structure/function; Has not been previously published as pathogenic or benign to our knowledge